The following is an entry in ClinVar:

NM_003072.5(SMARCA4):c.3149A>T (p.Tyr1050Phe)

Gene: SMARCA4 (SWI/SNF related BAF chromatin remodeling complex subunit ATPase 4; plus strand). Cytogenetic location: 19p13.2.
Variant type: single nucleotide variant.
Coding change: c.3149A>T on transcript NM_003072.5 (MANE Select); coding-DNA position 3149, A replaced by T.
Protein change: p.Tyr1050Phe; replaces tyrosine 1050 with phenylalanine.
Molecular consequence: missense variant. On other transcripts: non-coding transcript variant (1).
Genome position (GRCh38, 1-based): chr19:11,025,489, A>T. VCF-style: chr19-11025489-A-T. GRCh37 (hg19) VCF-style: chr19-11136165-A-T.
Other names: c.3149A>T (NM_001128849.1); c.3149A>T, p.Tyr1050Phe (NM_001128844.3, NM_001128845.2, NM_001128846.2 and 4 more transcripts); short protein forms Y1050F.
Identifiers: ClinVar variation 1016469 (VCV001016469.9), dbSNP rs2090184575, ClinGen allele CA404059283.

ClinVar aggregate classification (germline): Uncertain significance. Review status: criteria provided, multiple submitters, no conflicts (2 of 4 stars). 2 submissions from 2 submitters: Uncertain significance (2). Last evaluated 2024-04-10.

Conditions:
Hereditary cancer-predisposing syndrome. Also called: Hereditary Cancer Syndrome; Tumor predisposition; Neoplastic Syndromes, Hereditary; Hereditary neoplastic syndrome. Identifiers: Orphanet 140162, MedGen C0027672, MeSH D009386, MONDO:0015356.
Rhabdoid tumor predisposition syndrome 2 (RTPS2). Identifiers: Orphanet 231108, Orphanet 69077, MedGen C2750074, MONDO:0013224, OMIM 613325.

Submissions (2):

Labcorp Genetics (formerly Invitae), Labcorp
Classification: Uncertain significance for Rhabdoid tumor predisposition syndrome 2. Last evaluated: 2024-04-10. Review status: criteria provided, single submitter. Criteria: Invitae Variant Classification Sherloc (09022015). Collection method: clinical testing. Allele origin: germline.
Comment: This sequence change replaces tyrosine, which is neutral and polar, with phenylalanine, which is neutral and non-polar, at codon 1050 of the SMARCA4 protein (p.Tyr1050Phe). This variant is not present in population databases (gnomAD no frequency). This variant has not been reported in the literature in individuals affected with SMARCA4-related conditions. ClinVar contains an entry for this variant (Variation ID: 1016469). Advanced modeling of protein sequence and biophysical properties (such as structural, functional, and spatial information, amino acid conservation, physicochemical variation, residue mobility, and thermodynamic stability) performed at Invitae indicates that this missense variant is not expected to disrupt SMARCA4 protein function with a negative predictive value of 95%. In summary, the available evidence is currently insufficient to determine the role of this variant in disease. Therefore, it has been classified as a Variant of Uncertain Significance.

Ambry Genetics
Classification: Uncertain significance for Hereditary cancer-predisposing syndrome. Last evaluated: 2024-03-05. Review status: criteria provided, single submitter. Criteria: Ambry Variant Classification Scheme 2023. Collection method: clinical testing. Allele origin: germline.
Comment: The p.Y1050F variant (also known as c.3149A>T), located in coding exon 21 of the SMARCA4 gene, results from an A to T substitution at nucleotide position 3149. The tyrosine at codon 1050 is replaced by phenylalanine, an amino acid with highly similar properties. This amino acid position is highly conserved in available vertebrate species. In addition, the in silico prediction for this alteration is inconclusive. Based on the available evidence, the clinical significance of this alteration remains unclear.